The following is an entry in ClinVar:

ClinVar aggregate classification (germline): Uncertain significance (1 of 4 stars; one submission).

Allele frequency attached by ClinVar (database versions not stated): gnomAD exomes below 0.00001.

Submission:

Labcorp Genetics (formerly Invitae), Labcorp
Classification: Uncertain significance. Last evaluated: 2022-07-17. Review status: criteria provided, single submitter. Criteria: Invitae Variant Classification Sherloc (09022015). Collection method: clinical testing. Allele origin: germline.
Comment: In summary, the available evidence is currently insufficient to determine the role of this variant in disease. Therefore, it has been classified as a Variant of Uncertain Significance. Variants that disrupt the consensus splice site are a relatively common cause of aberrant splicing (PMID: 17576681, 9536098). Algorithms developed to predict the effect of sequence changes on RNA splicing suggest that this variant may disrupt the consensus splice site. This sequence change falls in intron 15 of the A2ML1 gene. It does not directly change the encoded amino acid sequence of the A2ML1 protein. It affects a nucleotide within the consensus splice site. This variant is present in population databases (no rsID available, gnomAD 0.003%). This variant has not been reported in the literature in individuals affected with A2ML1-related conditions.

Literature cited by the submitters: PubMed 17576681; PubMed 9536098.

NM_144670.6(A2ML1):c.1833+5G>A

Gene: A2ML1 (alpha-2-macroglobulin like 1; plus strand). Cytogenetic location: 12p13.31.
Variant type: single nucleotide variant.
Coding change: c.1833+5G>A on transcript NM_144670.6 (MANE Select); 5 bases into the intron after coding-DNA position 1833, G replaced by A.
Molecular consequence: intron variant.
Genome position (GRCh38, 1-based): chr12:8,847,703, G>A. VCF-style: chr12-8847703-G-A. GRCh37 (hg19) VCF-style: chr12-9000299-G-A.
Other names: c.360+5G>A (NM_001282424.3).
Identifiers: ClinVar variation 1950418 (VCV001950418.5), dbSNP rs1457104566, ClinGen allele CA603216839.